The following is an entry in ClinVar:

ClinVar aggregate classification (germline): Conflicting classifications of pathogenicity. Review status: criteria provided, conflicting classifications (1 of 4 stars). 4 submissions from 4 submitters: Uncertain significance (3); Likely benign (1). Last evaluated 2025-11-01.

Conditions:
Oculodentodigital dysplasia, autosomal recessive. Also called: OCULODENTOOSSEOUS DYSPLASIA, AUTOSOMAL RECESSIVE; ODDD, AUTOSOMAL RECESSIVE; ODOD, AUTOSOMAL RECESSIVE. Identifiers: Orphanet 2710, MedGen C2749477, MONDO:0009768, OMIM 257850.
Cleft palate. Identifiers: Orphanet 2014, MedGen C2981150, MONDO:0016064, HP:0000175.

Allele frequency attached by ClinVar (database versions not stated): TOPMed 0.00022; gnomAD 0.00026 and 0.00027; ESP Exome Variant Server 0.00046; gnomAD exomes 0.00048 and 0.00049; ExAC 0.00072.
gnomAD v4.1: 737 of 1,613,884 alleles (0.046%); highest among the groups gnomAD compares: Non-Finnish European, 0.058%; 1 homozygote.

Submissions (4):

Labcorp Genetics (formerly Invitae), Labcorp
Classification: Uncertain significance for Oculodentodigital dysplasia, autosomal recessive. Last evaluated: 2025-11-01. Review status: criteria provided, single submitter. Criteria: Invitae Variant Classification Sherloc (09022015). Collection method: clinical testing. Allele origin: germline.
Comment: This sequence change replaces glycine, which is neutral and non-polar, with arginine, which is basic and polar, at codon 242 of the GJA1 protein (p.Gly242Arg). This variant is present in population databases (rs138386744, gnomAD 0.09%), and has an allele count higher than expected for a pathogenic variant. This variant has not been reported in the literature in individuals affected with GJA1-related conditions. ClinVar contains an entry for this variant (Variation ID: 1188579). Invitae Evidence Modeling of protein sequence and biophysical properties (such as structural, functional, and spatial information, amino acid conservation, physicochemical variation, residue mobility, and thermodynamic stability) has been performed for this missense variant. However, the output from this modeling did not meet the statistical confidence thresholds required to predict the impact of this variant on GJA1 protein function. In summary, the available evidence is currently insufficient to determine the role of this variant in disease. Therefore, it has been classified as a Variant of Uncertain Significance.

Blueprint Genetics
Classification: Likely benign. Last evaluated: 2024-08-19. Review status: criteria provided, single submitter. Criteria: ACMG Guidelines, 2015. Collection method: clinical testing. Allele origin: germline.

Cambridge Genomics Laboratory, East Genomic Laboratory Hub, NHS Genomic Medicine Service
Classification: Uncertain significance for Cleft palate. Last evaluated: 2020-04-29. Review status: criteria provided, single submitter. Criteria: ACGS Best Practice Guidelines for Variant Classification in Rare Disease 2020. Collection method: clinical testing. Allele origin: germline. Affected: yes. Observed: 1 variant allele.

GeneDx
Classification: Uncertain significance. Last evaluated: 2019-01-16. Review status: criteria provided, single submitter. Criteria: GeneDx Variant Classification Process June 2021. Collection method: clinical testing. Allele origin: germline. Affected: yes.
Comment: In silico analysis, which includes protein predictors and evolutionary conservation, supports that this variant does not alter protein structure/function; Has not been previously published as pathogenic or benign to our knowledge

NM_000165.5(GJA1):c.724G>A (p.Gly242Arg)

Gene: GJA1 (gap junction protein alpha 1; plus strand). Cytogenetic location: 6q22.31.
Variant type: single nucleotide variant.
Coding change: c.724G>A on transcript NM_000165.5 (MANE Select); coding-DNA position 724, G replaced by A.
Protein change: p.Gly242Arg; replaces glycine 242 with arginine.
Molecular consequence: missense variant.
Genome position (GRCh38, 1-based): chr6:121,447,571, G>A. VCF-style: chr6-121447571-G-A. GRCh37 (hg19) VCF-style: chr6-121768717-G-A.
Other names: short protein forms G242R.
Identifiers: ClinVar variation 1188579 (VCV001188579.10), dbSNP rs138386744, ClinGen allele CA3981731.
Genomic context (GRCh38, chr6:121,447,571, plus strand): 5'-GCCTTGAATATCATTGAACTCTTCTATGTTTTCTTCAAGGGCGTTAAGGATCGGGTTAAG[G>A]GAAAGAGCGACCCTTACCATGCGACCAGTGGTGCGCTGAGCCCTGCCAAAGACTGTGGGT-3'
Protein context (NP_000156.1, residues 232-252): FFKGVKDRVK[Gly242Arg]KSDPYHATSG